The following is an entry in ClinVar:

NM_177438.3(DICER1):c.4150G>T (p.Gly1384Cys)

Gene: DICER1 (dicer 1, ribonuclease III; minus strand). Cytogenetic location: 14q32.13.
Variant type: single nucleotide variant.
Coding change: c.4150G>T on transcript NM_177438.3 (MANE Select); coding-DNA position 4150, G replaced by T.
Protein change: p.Gly1384Cys; replaces glycine 1384 with cysteine.
Molecular consequence: missense variant. On other transcripts: non-coding transcript variant (6).
Genome position (GRCh38, 1-based): chr14:95,099,836, C>A on the plus strand (G>T on the coding strand, the complement: DICER1 is on the minus strand). VCF-style: chr14-95099836-C-A. GRCh37 (hg19) VCF-style: chr14-95566173-C-A.
Other names: c.4150G>T, p.Gly1384Cys (NM_001195573.1, NM_001271282.3, NM_001291628.2 and 12 more transcripts); c.3868G>T, p.Gly1290Cys (NM_001395686.1); c.3745G>T, p.Gly1249Cys (NM_001395687.1, NM_001395688.1, NM_001395689.1 and 2 more transcripts); c.3583G>T, p.Gly1195Cys (NM_001395691.1); c.2467G>T, p.Gly823Cys (NM_001395697.1); short protein forms G1384C, G823C, G1290C, G1195C, G1249C.
Identifiers: ClinVar variation 3839990 (VCV003839990.1).

ClinVar aggregate classification (germline): Uncertain significance (1 of 4 stars; one submission).

Conditions:
Hereditary cancer-predisposing syndrome. Also called: Hereditary neoplastic syndrome; Neoplastic Syndromes, Hereditary; Tumor predisposition; Hereditary Cancer Syndrome. Identifiers: Orphanet 140162, MedGen C0027672, MeSH D009386, MONDO:0015356.

Submission:

Ambry Genetics
Classification: Uncertain significance for Hereditary cancer-predisposing syndrome. Last evaluated: 2024-12-17. Review status: criteria provided, single submitter. Criteria: Ambry Variant Classification Scheme 2023. Collection method: clinical testing. Allele origin: germline.
Comment: The p.G1384C variant (also known as c.4150G>T), located in coding exon 21 of the DICER1 gene, results from a G to T substitution at nucleotide position 4150. The glycine at codon 1384 is replaced by cysteine, an amino acid with highly dissimilar properties. This amino acid position is conserved. In addition, this alteration is predicted to be deleterious by in silico analysis. Based on the available evidence, the clinical significance of this variant remains unclear.